The following is an entry in ClinVar:

NM_005787.6(ALG3):c.777C>T (p.Ser259=)

Gene: ALG3 (ALG3 alpha-1,3- mannosyltransferase; minus strand). Cytogenetic location: 3q27.1.
Variant type: single nucleotide variant.
Coding change: c.777C>T on transcript NM_005787.6 (MANE Select); coding-DNA position 777, C replaced by T.
Protein change: p.Ser259=; no amino-acid change (serine 259 retained).
Molecular consequence: synonymous variant. On other transcripts: non-coding transcript variant (2).
Genome position (GRCh38, 1-based): chr3:184,243,946, G>A on the plus strand (C>T on the coding strand, the complement: ALG3 is on the minus strand). VCF-style: chr3-184243946-G-A. GRCh37 (hg19) VCF-style: chr3-183961734-G-A.
Other names: c.633C>T, p.Ser211= (NM_001006941.2).
Identifiers: ClinVar variation 344353 (VCV000344353.9), dbSNP rs142901178, ClinGen allele CA2729420.
Genomic context (GRCh38, chr3:184,243,946, plus strand): 5'-GAGGAAGCGCCAGTTCACTGTCCAGTGGAACAGAAACTGGCGGCCAAGGTCAAAGGAGCG[G>A]GACAGGTAGCCGCTGGGGTTCTCCAGCAGGAAGGGCAGCCCCAGCACCACCTGAGGATTG-3'
Protein context (NP_005778.1, residues 249-269): FLLENPSGYL[Ser259=]RSFDLGRQFL

ClinVar aggregate classification (germline): Conflicting classifications of pathogenicity. Review status: criteria provided, conflicting classifications (1 of 4 stars). 3 submissions from 3 submitters: Uncertain significance (1); Likely benign (2). Last evaluated 2025-09-30.

Conditions:
ALG3-congenital disorder of glycosylation. Also called: CONGENITAL DISORDER OF GLYCOSYLATION, TYPE Id; CDG Id; CARBOHYDRATE-DEFICIENT GLYCOPROTEIN SYNDROME, TYPE IV; CDGS, TYPE IV; ALG3-CDG. Identifiers: Orphanet 79321, MedGen C1832736, MONDO:0010998, OMIM 601110.

Allele frequency attached by ClinVar (database versions not stated): gnomAD exomes 0.00005; ExAC 0.00006; TOPMed 0.00008; gnomAD 0.00009; 1000 Genomes Project 30x 0.00016.

Submissions (3):

Labcorp Genetics (formerly Invitae), Labcorp
Classification: Likely benign for ALG3-congenital disorder of glycosylation. Last evaluated: 2025-09-30. Review status: criteria provided, single submitter. Criteria: Invitae Variant Classification Sherloc (09022015). Collection method: clinical testing. Allele origin: germline.

Illumina Laboratory Services, Illumina
Classification: Uncertain significance for ALG3-congenital disorder of glycosylation. Last evaluated: 2018-01-13. Review status: criteria provided, single submitter. Criteria: ICSL Variant Classification Criteria 13 December 2019. Collection method: clinical testing. Allele origin: germline.

GeneDx
Classification: Likely benign. Last evaluated: 2017-10-05. Review status: criteria provided, single submitter. Criteria: GeneDx Variant Classification (06012015). Collection method: clinical testing. Allele origin: germline. Affected: yes.
Comment: This variant is considered likely benign or benign based on one or more of the following criteria: it is a conservative change, it occurs at a poorly conserved position in the protein, it is predicted to be benign by multiple in silico algorithms, and/or has population frequency not consistent with disease.